The following is an entry in ClinVar:

ClinVar aggregate classification (germline): Likely benign (1 of 4 stars; one submission).

Submission:

CeGaT Center for Human Genetics Tuebingen
Classification: Likely benign. Last evaluated: 2023-11-01. Review status: criteria provided, single submitter. Criteria: CeGaT Center For Human Genetics Tuebingen Variant Classification Criteria Version 2. Collection method: clinical testing. Allele origin: germline. Affected: yes. Observed: 1 variant allele.
Comment: TMEM43: PM2:Supporting, BP4, BP7

NM_024334.3(TMEM43):c.795C>G (p.Ala265=)

Gene: TMEM43 (transmembrane protein 43; plus strand). Cytogenetic location: 3p25.1.
Variant type: single nucleotide variant.
Coding change: c.795C>G on transcript NM_024334.3 (MANE Select); coding-DNA position 795, C replaced by G.
Protein change: p.Ala265=; no amino-acid change (alanine 265 retained).
Molecular consequence: synonymous variant.
Genome position (GRCh38, 1-based): chr3:14,135,821, C>G. VCF-style: chr3-14135821-C-G. GRCh37 (hg19) VCF-style: chr3-14177321-C-G.
Other names: c.798C>G, p.Ala266= (NM_001407274.1); c.792C>G, p.Ala264= (NM_001407275.1, NM_001407277.1); c.795C>G, p.Ala265= (NM_001407276.1); c.780C>G, p.Ala260= (NM_001407278.1); c.720C>G, p.Ala240= (NM_001407279.1); c.645C>G, p.Ala215= (NM_001407280.1).
Identifiers: ClinVar variation 2672932 (VCV002672932.23), dbSNP rs1695161432, ClinGen allele CA432552183.